The following is an entry in ClinVar:

NM_000202.8(IDS):c.344del (p.Asn115fs)

Gene: IDS (iduronate 2-sulfatase; minus strand). Cytogenetic location: Xq28.
Variant type: Deletion.
Coding change: c.344del on transcript NM_000202.8 (MANE Select); coding-DNA position 344, one base deleted (A; older notation c.344delA).
Protein change: p.Asn115fs; shifts the reading frame from asparagine 115.
Molecular consequence: frameshift variant. On other transcripts: non-coding transcript variant (1).
Genome position (GRCh38, 1-based): chrX:149,503,386, T deleted on the plus strand (A on the coding strand, the reverse complement: IDS is on the minus strand); the first of 3 consecutive T bases (chrX:149,503,386-149,503,388); deleting any one gives the same sequence. VCF-style (leftmost placement, unchanged base first): chrX-149503385-GT-G. GRCh37 (hg19) VCF-style: chrX-148584915-GT-G.
Other names: c.74del, p.Asn25fs (NM_001166550.4); c.344del, p.Asn115fs (NM_006123.5); short protein forms N115fs, N25fs.
Identifiers: ClinVar variation 3255680 (VCV003255680.2).

ClinVar aggregate classification (germline): Pathogenic (1 of 4 stars; one submission).

Conditions:
Mucopolysaccharidosis, MPS-II (MPS2). Also called: Hunter Syndrome; IDURONATE 2-SULFATASE DEFICIENCY; Mucopolysaccharidosis Type II; Mucopolysaccharidosis type 2; Attenuated MPS (subtype; formerly known as mild MPS II); Severe MPS II. Identifiers: Orphanet 580, Orphanet 79388, MedGen C0026705, MONDO:0010674, OMIM 309900.

Submission:

Laboratory of Diagnosis and Therapy of Lysosomal Disorders, University of Padova
Classification: Pathogenic for Mucopolysaccharidosis, MPS-II. Last evaluated: 2024-06-07. Review status: criteria provided, single submitter. Criteria: ACMG Guidelines, 2015. Collection method: literature only. Allele origin: germline. Affected: yes. Observed: 4 variant alleles.
Comment: Null variant (PVS1_VeryStrong), Absent from controls (or at low frequency) in gnomAD database (PM2_Moderate), Cosegregation with disease in multiple affected family members (PP1_Moderate), Patient’s phenotype or family history highly specific for the disease (PP4_Strong)

Classification method: ACMG Guidelines [PMID:25741868] with modifications

Literature cited by the submitters: PubMed 34813777; PubMed 25169630; PubMed 21291454.